The following is an entry in ClinVar:

NM_001256789.3(CACNA1F):c.761T>C (p.Ile254Thr)

Gene: CACNA1F (calcium voltage-gated channel subunit alpha1 F; minus strand). Cytogenetic location: Xp11.23.
Variant type: single nucleotide variant.
Coding change: c.761T>C on transcript NM_001256789.3 (MANE Select); coding-DNA position 761, T replaced by C.
Protein change: p.Ile254Thr; replaces isoleucine 254 with threonine.
Molecular consequence: missense variant.
Genome position (GRCh38, 1-based): chrX:49,230,276, A>G on the plus strand (T>C on the coding strand, the complement: CACNA1F is on the minus strand). VCF-style: chrX-49230276-A-G. GRCh37 (hg19) VCF-style: chrX-49086738-A-G.
Other names: c.566T>C, p.Ile189Thr (NM_001256790.3); c.761T>C, p.Ile254Thr (NM_005183.4); short protein forms I189T, I254T.
Identifiers: ClinVar variation 842900 (VCV000842900.17), dbSNP rs202029187, ClinGen allele CA10411027.

ClinVar aggregate classification (germline): Conflicting classifications of pathogenicity. Review status: criteria provided, conflicting classifications (1 of 4 stars). 5 submissions from 5 submitters: Uncertain significance (2); Likely benign (1). 2 of the submissions do not count toward it. Last evaluated 2025-12-19.

Conditions:
CACNA1F-related disorder. Also called: CACNA1F-related condition.

Allele frequency attached by ClinVar (database versions not stated): gnomAD exomes 0.00006 and 0.00009; ESP Exome Variant Server 0.00009; ExAC 0.00011; gnomAD 0.00018; TOPMed 0.00022; 1000 Genomes Project 0.00053; 1000 Genomes Project 30x 0.00083.
gnomAD v4.1: 120 of 1,205,765 alleles (0.01%); highest among the groups gnomAD compares: African/African-American, 0.024%; no homozygotes.

Submissions (5):

Labcorp Genetics (formerly Invitae), Labcorp
Classification: Likely benign. Last evaluated: 2025-12-19. Review status: criteria provided, single submitter. Criteria: Invitae Variant Classification Sherloc (09022015). Collection method: clinical testing. Allele origin: germline.

PreventionGenetics, part of Exact Sciences
Classification: Uncertain significance for CACNA1F-related condition. Last evaluated: 2025-10-20. Review status: criteria provided, single submitter. Criteria: ACMG Guidelines, 2015. Collection method: clinical testing. Allele origin: germline.
Comment: The CACNA1F c.761T>C variant is predicted to result in the amino acid substitution p.Ile254Thr. To our knowledge, this variant has not been reported in the literature. This variant is reported in 0.022% of alleles in individuals of African descent in gnomAD, including 4 hemizygotes, which may be too frequent to be a primary cause of disease. Although we suspect that this variant may be benign, at this time, the clinical significance of this variant is uncertain due to the absence of conclusive functional and genetic evidence.

Breakthrough Genomics
Classification: Uncertain significance. Review status: criteria provided, single submitter. Criteria: ACMG Guidelines, 2015. Collection method: not provided. Allele origin: germline. Inheritance: X-linked inheritance. Affected: yes.

Clinical Genetics DNA and cytogenetics Diagnostics Lab, Erasmus MC, Erasmus Medical Center
Classification: Uncertain significance. Review status: no assertion criteria provided. Collection method: clinical testing. Allele origin: germline. Affected: yes. Study: VKGL Data-share Consensus. Not counted in ClinVar's aggregate classification.

Diagnostic Laboratory, Department of Genetics, University Medical Center Groningen
Classification: Uncertain significance. Review status: no assertion criteria provided. Collection method: clinical testing. Allele origin: germline. Affected: yes. Study: VKGL Data-share Consensus. Not counted in ClinVar's aggregate classification.